The following is an entry in ClinVar:

ClinVar aggregate classification (germline): Pathogenic (1 of 4 stars; one submission).

Conditions:
Multiple congenital exostosis (EXT). Also called: MULTIPLE CARTILAGINOUS EXOSTOSES; Hereditary multiple exostoses; Hereditary multiple exostosis; Multiple exostoses; Multiple osteochondromas; Hereditary multiple osteochondromas. Identifiers: Orphanet 321, MedGen C0015306, MONDO:0005508, HP:0002762.

Submission:

Labcorp Genetics (formerly Invitae), Labcorp
Classification: Pathogenic for Multiple congenital exostosis. Last evaluated: 2022-07-25. Review status: criteria provided, single submitter. Criteria: Invitae Variant Classification Sherloc (09022015). Collection method: clinical testing. Allele origin: germline.
Comment: This variant is not present in population databases (gnomAD no frequency). This premature translational stop signal has been observed in individual(s) with hereditary multiple osteochondromas (PMID: 16283885). For these reasons, this variant has been classified as Pathogenic. This sequence change creates a premature translational stop signal (p.Trp517*) in the EXT1 gene. It is expected to result in an absent or disrupted protein product. Loss-of-function variants in EXT1 are known to be pathogenic (PMID: 10679937, 11391482, 19810120).

Literature cited by the submitters: PubMed 16283885; PubMed 10679937; PubMed 11391482; PubMed 19810120.

NM_000127.3(EXT1):c.1550G>A (p.Trp517Ter)

Gene: EXT1 (exostosin glycosyltransferase 1; minus strand). Cytogenetic location: 8q24.11.
Variant type: single nucleotide variant.
Coding change: c.1550G>A on transcript NM_000127.3 (MANE Select); coding-DNA position 1550, G replaced by A.
Protein change: p.Trp517Ter; replaces tryptophan 517 with a stop codon.
Molecular consequence: nonsense.
Genome position (GRCh38, 1-based): chr8:117,818,517, C>T on the plus strand (G>A on the coding strand, the complement: EXT1 is on the minus strand). VCF-style: chr8-117818517-C-T. GRCh37 (hg19) VCF-style: chr8-118830756-C-T.
Other names: short protein forms W517*.
Identifiers: ClinVar variation 2136695 (VCV002136695.4), dbSNP rs2488106908, ClinGen allele CA371883471.